The following is an entry in ClinVar:

ClinVar aggregate classification (germline): Uncertain significance (1 of 4 stars; one submission).

Conditions:
Inborn genetic diseases. Identifiers: MedGen C0950123, MeSH D030342.

Submission:

Ambry Genetics
Classification: Uncertain significance for Inborn genetic diseases. Last evaluated: 2026-02-10. Review status: criteria provided, single submitter. Criteria: Ambry Variant Classification Scheme 2023. Collection method: clinical testing. Allele origin: germline.
Comment: The p.G441D variant (also known as c.1322G>A), located in coding exon 5 of the GATA2 gene, results from a G to A substitution at nucleotide position 1322. The glycine at codon 441 is replaced by aspartic acid, an amino acid with similar properties. This amino acid position is well conserved in available vertebrate species. In addition, the in silico prediction for this alteration is inconclusive. Based on the available evidence, the clinical significance of this variant remains unclear.

NM_032638.5(GATA2):c.1322G>A (p.Gly441Asp)

Gene: GATA2 (GATA binding protein 2; minus strand). Cytogenetic location: 3q21.3.
Variant type: single nucleotide variant.
Coding change: c.1322G>A on transcript NM_032638.5 (MANE Select); coding-DNA position 1322, G replaced by A.
Protein change: p.Gly441Asp; replaces glycine 441 with aspartic acid.
Molecular consequence: missense variant.
Genome position (GRCh38, 1-based): chr3:128,481,140, C>T on the plus strand (G>A on the coding strand, the complement: GATA2 is on the minus strand). VCF-style: chr3-128481140-C-T. GRCh37 (hg19) VCF-style: chr3-128199983-C-T.
Other names: c.1322G>A, p.Gly441Asp (NM_001145661.2); c.1280G>A, p.Gly427Asp (NM_001145662.1); short protein forms G427D, G441D.
Identifiers: ClinVar variation 4824109 (VCV004824109.1).
Genomic context (GRCh38, chr3:128,481,140, plus strand): 5'-GGGTGGATGGGCGTCGGAGTGGGCAGGATGTGTCCGGAGTGGCTGAAGGGCGGGAGGTGG[C>T]CCACAGGTGCCATGTGTCCAGCCAGGGCAGCTGCACTGAAGGGGGATGACTTCTCCTGCA-3'
Protein context (NP_116027.2, residues 431-451): AALAGHMAPV[Gly441Asp]HLPPFSHSGH